The following is an entry in ClinVar:

ClinVar aggregate classification (germline): Conflicting classifications of pathogenicity. Review status: criteria provided, conflicting classifications (1 of 4 stars). 11 submissions from 11 submitters: Uncertain significance (2); Benign (2); Likely benign (4). 3 of the submissions do not count toward it. Last evaluated 2026-05-01.

Conditions:
Inborn genetic diseases. Identifiers: MedGen C0950123, MeSH D030342.
Bethlem myopathy 1A. Also called: MYOPATHY, BENIGN CONGENITAL, WITH CONTRACTURES; Bethlem myopathy 1; Bethlem Muscular Dystrophy. Identifiers: Orphanet 610, MedGen CN029274, MONDO:0024530, OMIM 158810.
Collagen 6-related myopathy. Identifiers: MedGen CN117976, MONDO:0100225.

Allele frequency attached by ClinVar (database versions not stated): 1000 Genomes Project 0.00060; 1000 Genomes Project 30x 0.00062; TOPMed 0.00066; ESP Exome Variant Server 0.00092; gnomAD exomes 0.00126 and 0.00182; gnomAD 0.00141 and 0.00154; ExAC 0.00195.

Submissions (11):

CeGaT Center for Human Genetics Tuebingen
Classification: Likely benign. Last evaluated: 2026-05-01. Review status: criteria provided, single submitter. Criteria: CeGaT Center For Human Genetics Tuebingen Variant Classification Criteria Version 2. Collection method: clinical testing. Allele origin: germline. Affected: yes. Observed: 5 variant alleles.
Comment: COL6A1: BS1

Labcorp Genetics (formerly Invitae), Labcorp
Classification: Likely benign for Bethlem myopathy 1A. Last evaluated: 2026-01-05. Review status: criteria provided, single submitter. Criteria: Invitae Variant Classification Sherloc (09022015). Collection method: clinical testing. Allele origin: germline.

Blueprint Genetics
Classification: Likely benign. Last evaluated: 2024-11-28. Review status: criteria provided, single submitter. Criteria: ACMG Guidelines, 2015. Collection method: clinical testing. Allele origin: germline.

Illumina Laboratory Services, Illumina
Classification: Benign for Collagen VI-related myopathy. Last evaluated: 2018-01-13. Review status: criteria provided, single submitter. Criteria: ICSL Variant Classification Criteria 13 December 2019. Collection method: clinical testing. Allele origin: germline.
Comment: This variant was observed in the ICSL laboratory as part of a predisposition screen in an ostensibly healthy population. It had not been previously curated by ICSL or reported in the Human Gene Mutation Database (HGMD: prior to June 1st, 2018), and was therefore a candidate for classification through an automated scoring system. Utilizing variant allele frequency, disease prevalence and penetrance estimates, and inheritance mode, an automated score was calculated to assess if this variant is too frequent to cause the disease. Based on the score and internal cut-off values, a variant classified as benign is not then subjected to further curation. The score for this variant resulted in a classification of benign for this disease.

Eurofins Ntd Llc (ga)
Classification: Benign. Last evaluated: 2016-08-01. Review status: criteria provided, single submitter. Criteria: EGL Classification Definitions 2015. Collection method: clinical testing. Allele origin: germline. Observed: 3 variant alleles, 3 heterozygotes.

PreventionGenetics, part of Exact Sciences
Classification: Likely benign. Last evaluated: 2016-03-15. Review status: criteria provided, single submitter. Criteria: ACMG Guidelines, 2015. Collection method: clinical testing. Allele origin: germline.

GeneDx
Classification: Uncertain significance. Last evaluated: 2016-01-26. Review status: criteria provided, single submitter. Criteria: GeneDx Variant Classification (06012015). Collection method: clinical testing. Allele origin: germline. Affected: yes.
Comment: The S879G variant in the COL6A1 gene has not been reported previously as a disease-causing mutation nor as a benign polymorphism, to our knowledge. This variant is a non-conservative amino acid substitution of a polar Serine with a non-polar Glycine at a residue that is conserved across species. In silico analysis was inconsistent with regard to the effect this variant may have on the protein structure/function. The S879G variant was not observed with any significant frequency in approximately 6,000 individuals of European and African American ancestry in the NHLBI Exome Sequencing Project. We interpret S879G as a variant of unknown significance.

Ambry Genetics
Classification: Uncertain significance for Inborn genetic diseases. Last evaluated: 2015-03-12. Review status: criteria provided, single submitter. Criteria: Ambry exome assertion method (8-5-2015). Collection method: clinical testing. Allele origin: germline. Affected: yes. Observed: 1 variant allele.

Clinical Genetics DNA and cytogenetics Diagnostics Lab, Erasmus MC, Erasmus Medical Center
Classification: Likely benign. Review status: no assertion criteria provided. Collection method: clinical testing. Allele origin: germline. Affected: yes. Study: VKGL Data-share Consensus. Not counted in ClinVar's aggregate classification.

Genome Diagnostics Laboratory, University Medical Center Utrecht
Classification: Likely benign. Review status: no assertion criteria provided. Collection method: clinical testing. Allele origin: germline. Affected: yes. Study: VKGL Data-share Consensus. Not counted in ClinVar's aggregate classification.

Laboratory of Diagnostic Genome Analysis, Leiden University Medical Center (LUMC)
Classification: Likely benign. Review status: no assertion criteria provided. Collection method: clinical testing. Allele origin: germline. Affected: yes. Study: VKGL Data-share Consensus. Not counted in ClinVar's aggregate classification.

NM_001848.3(COL6A1):c.2635A>G (p.Ser879Gly)

Gene: COL6A1 (collagen type VI alpha 1 chain; plus strand). Cytogenetic location: 21q22.3.
Variant type: single nucleotide variant.
Coding change: c.2635A>G on transcript NM_001848.3 (MANE Select); coding-DNA position 2635, A replaced by G.
Protein change: p.Ser879Gly; replaces serine 879 with glycine.
Molecular consequence: missense variant.
Genome position (GRCh38, 1-based): chr21:46,003,561, A>G. VCF-style: chr21-46003561-A-G. GRCh37 (hg19) VCF-style: chr21-47423475-A-G.
Other names: p.S879G:AGC>GGC; short protein forms S879G.
Identifiers: ClinVar variation 162529 (VCV000162529.66), dbSNP rs140534207, ClinGen allele CA295255.